The following is an entry in ClinVar:

ClinVar aggregate classification (germline): Benign. Review status: criteria provided, single submitter (1 of 4 stars). 2 submissions from 2 submitters: Benign (1). 1 of the submissions does not count toward it. Last evaluated 2024-09-10.

Conditions:
Rubinstein-Taybi syndrome (RSTS). Identifiers: Orphanet 783, MedGen C0035934, MONDO:0019188.
CREBBP-related disorder. Also called: CREBBP-related condition; CREBBP-related disorders.

gnomAD v4.1: 20 of 1,614,062 alleles (0.0012%); highest among the groups gnomAD compares: African/African-American, 0.0027%; no homozygotes.

Submissions (2):

Labcorp Genetics (formerly Invitae), Labcorp
Classification: Benign for Rubinstein-Taybi syndrome. Last evaluated: 2024-09-10. Review status: criteria provided, single submitter. Criteria: Invitae Variant Classification Sherloc (09022015). Collection method: clinical testing. Allele origin: germline.

PreventionGenetics, part of Exact Sciences
Classification: Likely benign for CREBBP-related condition. Last evaluated: 2023-08-30. Review status: no assertion criteria provided. Collection method: clinical testing. Allele origin: germline. Not counted in ClinVar's aggregate classification.
Comment: This variant is classified as likely benign based on ACMG/AMP sequence variant interpretation guidelines (Richards et al. 2015 PMID: 25741868, with internal and published modifications).

NM_004380.3(CREBBP):c.417C>T (p.Ser139=)

Gene: CREBBP (CREB binding lysine acetyltransferase; minus strand). Cytogenetic location: 16p13.3.
Variant type: single nucleotide variant.
Coding change: c.417C>T on transcript NM_004380.3 (MANE Select); coding-DNA position 417, C replaced by T.
Protein change: p.Ser139=; no amino-acid change (serine 139 retained).
Molecular consequence: synonymous variant.
Genome position (GRCh38, 1-based): chr16:3,850,678, G>A on the plus strand (C>T on the coding strand, the complement: CREBBP is on the minus strand). VCF-style: chr16-3850678-G-A. GRCh37 (hg19) VCF-style: chr16-3900679-G-A.
Other names: c.417C>T, p.Ser139= (NM_001079846.1).
Identifiers: ClinVar variation 3352001 (VCV003352001.3).